The following is an entry in ClinVar:

NM_001134363.3(RBM20):c.2591A>C (p.Gln864Pro)

Gene: RBM20 (RNA binding motif protein 20; plus strand). Cytogenetic location: 10q25.2.
Variant type: single nucleotide variant.
Coding change: c.2591A>C on transcript NM_001134363.3 (MANE Select); coding-DNA position 2591, A replaced by C.
Protein change: p.Gln864Pro; replaces glutamine 864 with proline.
Molecular consequence: missense variant.
Genome position (GRCh38, 1-based): chr10:110,820,112, A>C. VCF-style: chr10-110820112-A-C. GRCh37 (hg19) VCF-style: chr10-112579870-A-C.
Other names: c.2591A>C (NM_001134363.1); short protein forms Q864P.
Identifiers: ClinVar variation 1416174 (VCV001416174.8), dbSNP rs1564663863, ClinGen allele CA378376800.

ClinVar aggregate classification (germline): Conflicting classifications of pathogenicity. Review status: criteria provided, conflicting classifications (1 of 4 stars). 3 submissions from 3 submitters: Uncertain significance (2); Benign (1). Last evaluated 2026-01-10.

Conditions:
Dilated cardiomyopathy 1DD (CMD1DD). Identifiers: Orphanet 154, MedGen C2750995, MONDO:0013168, OMIM 613172.
Cardiovascular phenotype. Identifiers: MedGen CN230736.

Allele frequency attached by ClinVar (database versions not stated): gnomAD exomes 0.00001; TOPMed 0.00001.
gnomAD v4.1: 3 of 1,551,446 alleles (0.00019%); highest among the groups gnomAD compares: African/African-American, 0.0027%; no homozygotes.

Submissions (3):

Ambry Genetics
Classification: Uncertain significance for Cardiovascular phenotype. Last evaluated: 2026-01-10. Review status: criteria provided, single submitter. Criteria: Ambry Variant Classification Scheme 2023. Collection method: clinical testing. Allele origin: germline.
Comment: The p.Q864P variant (also known as c.2591A>C), located in coding exon 10 of the RBM20 gene, results from an A to C substitution at nucleotide position 2591. The glutamine at codon 864 is replaced by proline, an amino acid with similar properties. This amino acid position is conserved. In addition, this alteration is predicted to be tolerated by in silico analysis. Based on the available evidence, the clinical significance of this variant remains unclear.

Women's Health and Genetics/Laboratory Corporation of America, LabCorp
Classification: Uncertain significance. Last evaluated: 2025-12-12. Review status: criteria provided, single submitter. Criteria: LabCorp Variant Classification Summary - May 2015. Collection method: clinical testing. Allele origin: germline.
Comment: Variant summary: RBM20 c.2591A>C (p.Gln864Pro) results in a non-conservative amino acid change in the encoded protein sequence. Algorithms developed to predict the effect of missense changes on protein structure and function are either unavailable or do not agree on the potential impact of this missense change. The variant allele was found at a frequency of 6.4e-06 in 156592 control chromosomes. The available data on variant occurrences in the general population are insufficient to allow any conclusion about variant significance. To our knowledge, no occurrence of c.2591A>C in individuals affected with RBM20-related conditions and no experimental evidence demonstrating its impact on protein function have been reported. ClinVar contains an entry for this variant (Variation ID: 1416174). Based on the evidence outlined above, the variant was classified as uncertain significance.

Labcorp Genetics (formerly Invitae), Labcorp
Classification: Benign for Dilated cardiomyopathy 1DD. Last evaluated: 2025-11-18. Review status: criteria provided, single submitter. Criteria: Invitae Variant Classification Sherloc (09022015). Collection method: clinical testing. Allele origin: germline.